The following is an entry in ClinVar:

ClinVar aggregate classification (germline): Uncertain significance. Review status: criteria provided, multiple submitters, no conflicts (2 of 4 stars). 4 submissions from 4 submitters: Uncertain significance (4). Last evaluated 2026-02-01.

Conditions:
Ciliopathy. Also called: Ciliopathies. Identifiers: Orphanet 363250, MedGen C4277690, MONDO:0005308, MeSH D000072661.
Joubert syndrome. Also called: JOUBERT-BOLTSHAUSER SYNDROME; Familial aplasia of the vermis. Identifiers: Orphanet 475, MedGen C5979921, MONDO:0018772.
Meckel-Gruber syndrome. Also called: GRUBER SYNDROME; DYSENCEPHALIA SPLANCHNOCYSTICA; Dysencephalia splachnocystica. Identifiers: Orphanet 564, MedGen C0265215, MONDO:0018921.

Allele frequency attached by ClinVar (database versions not stated): ExAC 0.00005; gnomAD 0.00007; ESP Exome Variant Server 0.00008; TOPMed 0.00010; gnomAD exomes 0.00013.
gnomAD v4.1: 217 of 1,614,010 alleles (0.013%); highest among the groups gnomAD compares: Non-Finnish European, 0.016%; no homozygotes.

Submissions (4):

CeGaT Center for Human Genetics Tuebingen
Classification: Uncertain significance. Last evaluated: 2026-02-01. Review status: criteria provided, single submitter. Criteria: CeGaT Center For Human Genetics Tuebingen Variant Classification Criteria Version 2. Collection method: clinical testing. Allele origin: germline. Affected: yes. Observed: 1 variant allele.
Comment: B9D2: PM2, PM3

GeneDx
Classification: Uncertain significance. Last evaluated: 2023-07-28. Review status: criteria provided, single submitter. Criteria: GeneDx Variant Classification Process June 2021. Collection method: clinical testing. Allele origin: germline. Affected: yes.
Comment: Not observed at significant frequency in large population cohorts (gnomAD); In silico analysis supports that this missense variant has a deleterious effect on protein structure/function; Has not been previously published as pathogenic or benign to our knowledge

Labcorp Genetics (formerly Invitae), Labcorp
Classification: Uncertain significance for Joubert syndrome; Meckel-Gruber syndrome. Last evaluated: 2021-12-19. Review status: criteria provided, single submitter. Criteria: Invitae Variant Classification Sherloc (09022015). Collection method: clinical testing. Allele origin: germline.
Comment: This sequence change replaces threonine, which is neutral and polar, with methionine, which is neutral and non-polar, at codon 44 of the B9D2 protein (p.Thr44Met). This variant is present in population databases (rs150023579, gnomAD 0.009%). This variant has not been reported in the literature in individuals affected with B9D2-related conditions. Algorithms developed to predict the effect of missense changes on protein structure and function are either unavailable or do not agree on the potential impact of this missense change (SIFT: "Deleterious"; PolyPhen-2: "Probably Damaging"; Align-GVGD: "Class C15"). In summary, the available evidence is currently insufficient to determine the role of this variant in disease. Therefore, it has been classified as a Variant of Uncertain Significance.

Department of Pathology and Laboratory Medicine, Sinai Health System
Classification: Uncertain significance for ciliopathy. Last evaluated: 2021-07-30. Review status: criteria provided, single submitter. Criteria: ACMG Guidelines, 2015. Collection method: research. Allele origin: germline.

NM_030578.4(B9D2):c.131C>T (p.Thr44Met)

Gene: B9D2 (B9 domain containing 2; minus strand). Cytogenetic location: 19q13.2.
Variant type: single nucleotide variant.
Coding change: c.131C>T on transcript NM_030578.4 (MANE Select); coding-DNA position 131, C replaced by T.
Protein change: p.Thr44Met; replaces threonine 44 with methionine.
Molecular consequence: missense variant.
Genome position (GRCh38, 1-based): chr19:41,357,980, G>A on the plus strand (C>T on the coding strand, the complement: B9D2 is on the minus strand). VCF-style: chr19-41357980-G-A. GRCh37 (hg19) VCF-style: chr19-41863885-G-A.
Other names: short protein forms T44M.
Identifiers: ClinVar variation 1878996 (VCV001878996.9), dbSNP rs150023579, ClinGen allele CA9460345.